The following is an entry in ClinVar:

ClinVar aggregate classification (germline): Uncertain significance. Review status: criteria provided, multiple submitters, no conflicts (2 of 4 stars). 3 submissions from 3 submitters: Uncertain significance (2). 1 of the submissions does not count toward it. Last evaluated 2025-09-18.

Conditions:
Walker-Warburg congenital muscular dystrophy. Also called: Muscular dystrophy-dystroglycanopathy, type A; Walker-Warburg syndrome. Identifiers: Orphanet 899, MedGen C0265221, MONDO:0000171.
Autosomal recessive limb-girdle muscular dystrophy type 2I. Also called: MUSCULAR DYSTROPHY, LIMB-GIRDLE, TYPE 2I; MUSCULAR DYSTROPHY-DYSTROGLYCANOPATHY (LIMB-GIRDLE), TYPE C, 5; MUSCULAR DYSTROPHY-DYSTROGLYCANOPATHY, LIMB-GIRDLE, FRKP-RELATED. Identifiers: Orphanet 34515, MedGen C1846672, MONDO:0011787, OMIM 607155.
Cardiovascular phenotype. Identifiers: MedGen CN230736.

Allele frequency attached by ClinVar (database versions not stated): gnomAD exomes 0.00001.
gnomAD v4.1: 4 of 1,600,934 alleles (0.00025%); highest among the groups gnomAD compares: Admixed American, 0.0017%; no homozygotes.

Submissions (3):

Ambry Genetics
Classification: Uncertain significance for Cardiovascular phenotype. Last evaluated: 2025-09-18. Review status: criteria provided, single submitter. Criteria: Ambry Variant Classification Scheme 2023. Collection method: clinical testing. Allele origin: germline.
Comment: The p.A62V variant (also known as c.185C>T), located in coding exon 1 of the FKRP gene, results from a C to T substitution at nucleotide position 185. The alanine at codon 62 is replaced by valine, an amino acid with similar properties. This amino acid position is not well conserved in available vertebrate species. In addition, the in silico prediction for this alteration is inconclusive. Based on the available evidence, the clinical significance of this variant remains unclear.

Labcorp Genetics (formerly Invitae), Labcorp
Classification: Uncertain significance for Walker-Warburg congenital muscular dystrophy. Last evaluated: 2024-02-17. Review status: criteria provided, single submitter. Criteria: Invitae Variant Classification Sherloc (09022015). Collection method: clinical testing. Allele origin: germline.
Comment: This sequence change replaces alanine, which is neutral and non-polar, with valine, which is neutral and non-polar, at codon 62 of the FKRP protein (p.Ala62Val). This variant is not present in population databases (gnomAD no frequency). This variant has not been reported in the literature in individuals affected with FKRP-related conditions. ClinVar contains an entry for this variant (Variation ID: 575534). Advanced modeling of protein sequence and biophysical properties (such as structural, functional, and spatial information, amino acid conservation, physicochemical variation, residue mobility, and thermodynamic stability) has been performed at Invitae for this missense variant, however the output from this modeling did not meet the statistical confidence thresholds required to predict the impact of this variant on FKRP protein function. In summary, the available evidence is currently insufficient to determine the role of this variant in disease. Therefore, it has been classified as a Variant of Uncertain Significance.

Natera, Inc.
Classification: Uncertain significance for Limb-girdle muscular dystrophy type 2I. Last evaluated: 2020-03-20. Review status: no assertion criteria provided. Collection method: clinical testing. Allele origin: germline. Not counted in ClinVar's aggregate classification.

NM_024301.5(FKRP):c.185C>T (p.Ala62Val)

Gene: FKRP (fukutin related protein; plus strand). Cytogenetic location: 19q13.32.
Variant type: single nucleotide variant.
Coding change: c.185C>T on transcript NM_024301.5 (MANE Select); coding-DNA position 185, C replaced by T.
Protein change: p.Ala62Val; replaces alanine 62 with valine.
Molecular consequence: missense variant.
Genome position (GRCh38, 1-based): chr19:46,755,635, C>T. VCF-style: chr19-46755635-C-T. GRCh37 (hg19) VCF-style: chr19-47258892-C-T.
Other names: c.185C>T, p.Ala62Val (NM_001039885.3); short protein forms A62V.
Identifiers: ClinVar variation 575534 (VCV000575534.6), dbSNP rs1448177835, ClinGen allele CA406494832.